The following is an entry in ClinVar:

NM_014000.3(VCL):c.1538G>A (p.Gly513Glu)

Gene: VCL (vinculin; plus strand). Cytogenetic location: 10q22.2.
Variant type: single nucleotide variant.
Coding change: c.1538G>A on transcript NM_014000.3 (MANE Select); coding-DNA position 1538, G replaced by A.
Protein change: p.Gly513Glu; replaces glycine 513 with glutamic acid.
Molecular consequence: missense variant.
Genome position (GRCh38, 1-based): chr10:74,094,456, G>A. VCF-style: chr10-74094456-G-A. GRCh37 (hg19) VCF-style: chr10-75854214-G-A.
Other names: c.1538G>A, p.Gly513Glu (NM_003373.4); short protein forms G513E.
Identifiers: ClinVar variation 1774758 (VCV001774758.2), dbSNP rs1839934789, ClinGen allele CA377274029.
Genomic context (GRCh38, chr10:74,094,456, plus strand): 5'-TTGAGGGCAAGATTGAGCAAGCACAGCGGTGGATTGATAATCCCACAGTGGATGACCGTG[G>A]AGTCGGTAAGGGCAGCAGTGCACTATAACCTCATTAAATTGGTCTCAGTGCAAATAAGCA-3'
Protein context (NP_054706.1, residues 503-523): WIDNPTVDDR[Gly513Glu]VGQAAIRGLV

ClinVar aggregate classification (germline): Uncertain significance (1 of 4 stars; one submission).

Conditions:
Cardiovascular phenotype. Identifiers: MedGen CN230736.

Submission:

Ambry Genetics
Classification: Uncertain significance for Cardiovascular phenotype. Last evaluated: 2020-09-10. Review status: criteria provided, single submitter. Criteria: Ambry Variant Classification Scheme 2023. Collection method: clinical testing. Allele origin: germline.
Comment: The p.G513E variant (also known as c.1538G>A), located in coding exon 11 of the VCL gene, results from a G to A substitution at nucleotide position 1538. The glycine at codon 513 is replaced by glutamic acid, an amino acid with similar properties. This amino acid position is highly conserved in available vertebrate species. In addition, this alteration is predicted to be deleterious by in silico analysis. Since supporting evidence is limited at this time, the clinical significance of this alteration remains unclear.